The following is an entry in ClinVar:

NM_000038.6(APC):c.747G>T (p.Lys249Asn)

Gene: APC (APC regulator of Wnt signaling pathway; plus strand). Cytogenetic location: 5q22.2.
Variant type: single nucleotide variant.
Coding change: c.747G>T on transcript NM_000038.6 (MANE Select); coding-DNA position 747, G replaced by T.
Protein change: p.Lys249Asn; replaces lysine 249 with asparagine.
Molecular consequence: missense variant. On other transcripts: 5 prime UTR variant (4), non-coding transcript variant (2).
Genome position (GRCh38, 1-based): chr5:112,801,296, G>T. VCF-style: chr5-112801296-G-T. GRCh37 (hg19) VCF-style: chr5-112136993-G-T.
Other names: c.747G>T, p.Lys249Asn (NM_001407458.1, NM_001407459.1, NM_001407460.1 and 12 more transcripts); c.663G>T, p.Lys221Asn (NM_001407467.1, NM_001407469.1, NM_001354899.2 and 1 more transcripts); c.-289G>T (NM_001407471.1, NM_001407472.1, NM_001407470.1 and 1 more transcripts); c.693G>T, p.Lys231Asn (NM_001127511.3); c.777G>T, p.Lys259Asn (NM_001354897.2, NM_001354902.2, NM_001407446.1); c.672G>T, p.Lys224Asn (NM_001354898.2, NM_001354904.2, NM_001407451.1); c.570G>T, p.Lys190Asn (NM_001354900.2, NM_001354901.2, NM_001354905.2 and 1 more transcripts); short protein forms K224N, K190N, K231N, K249N, K259N, K221N.
Identifiers: ClinVar variation 2774467 (VCV002774467.2), dbSNP rs878853470, ClinGen allele CA16022966.

ClinVar aggregate classification (germline): Uncertain significance (1 of 4 stars; one submission).

Conditions:
Hereditary cancer-predisposing syndrome. Also called: Neoplastic Syndromes, Hereditary; Tumor predisposition; Hereditary Cancer Syndrome; Hereditary neoplastic syndrome. Identifiers: Orphanet 140162, MedGen C0027672, MeSH D009386, MONDO:0015356.

Submission:

Color Diagnostics, LLC DBA Color Health
Classification: Uncertain significance for Hereditary cancer-predisposing syndrome. Last evaluated: 2023-01-09. Review status: criteria provided, single submitter. Criteria: ACMG Guidelines, 2015. Collection method: clinical testing. Allele origin: germline.
Comment: This missense variant replaces lysine with asparagine at codon 249 of the APC protein. Computational prediction suggests that this variant may not impact protein structure and function (internally defined REVEL score threshold <= 0.5, PMID: 27666373). To our knowledge, functional studies have not been reported for this variant. This variant has not been reported in individuals affected with APC-related disorders in the literature. This variant has not been identified in the general population by the Genome Aggregation Database (gnomAD). The available evidence is insufficient to determine the role of this variant in disease conclusively. Therefore, this variant is classified as a Variant of Uncertain Significance.